The following is an entry in ClinVar:

ClinVar aggregate classification (germline): Benign. Review status: criteria provided, multiple submitters, no conflicts (2 of 4 stars). 9 submissions from 8 submitters: Benign (8). 1 of the submissions does not count toward it. Last evaluated 2026-02-04.

Conditions:
Severe combined immunodeficiency due to CORO1A deficiency. Also called: Immunodeficiency 8; IMMUNODEFICIENCY 8 WITH LYMPHOPROLIFERATION. Identifiers: Orphanet 228003, MedGen C3809383, MONDO:0014168, OMIM 615401.

Allele frequency attached by ClinVar (database versions not stated): gnomAD exomes 0.65377; ExAC 0.65404; ESP Exome Variant Server 0.66751; gnomAD 0.67557 and 0.67888; TOPMed 0.69903; 1000 Genomes Project 0.79413; 1000 Genomes Project 30x 0.79419.
gnomAD v4.1: 933,105 of 1,610,452 alleles (58%); highest among the groups gnomAD compares: East Asian, 91%; 281,087 homozygotes.

Submissions (9):

Labcorp Genetics (formerly Invitae), Labcorp
Classification: Benign for Severe combined immunodeficiency due to CORO1A deficiency. Last evaluated: 2026-02-04. Review status: criteria provided, single submitter. Criteria: Invitae Variant Classification Sherloc (09022015). Collection method: clinical testing. Allele origin: germline.

Women's Health and Genetics/Laboratory Corporation of America, LabCorp
Classification: Benign. Last evaluated: 2026-01-21. Review status: criteria provided, single submitter. Criteria: LabCorp Variant Classification Summary - May 2015. Collection method: clinical testing. Allele origin: germline.

Unidad de Genómica Garrahan, Hospital de Pediatría Garrahan
Classification: Benign. Last evaluated: 2023-11-12. Review status: criteria provided, single submitter. Criteria: ACMG Guidelines, 2015. Collection method: clinical testing. Allele origin: germline. Affected: no. Observed: 80 variant alleles.
Comment: This variant is classified as Benign based on local population frequency. This variant was detected in 83% of patients studied by a panel of primary immunodeficiencies. Number of patients: 80. Only high quality variants are reported.

GeneDx
Classification: Benign. Last evaluated: 2022-01-05. Review status: criteria provided, single submitter. Criteria: GeneDx Variant Classification Process June 2021. Collection method: clinical testing. Allele origin: germline. Affected: yes.

Genome-Nilou Lab
Classification: Benign for Severe combined immunodeficiency due to CORO1A deficiency. Last evaluated: 2021-07-30. Review status: criteria provided, single submitter. Criteria: ACMG Guidelines, 2015. Collection method: clinical testing. Allele origin: germline. Affected: no.

Mayo Clinic Laboratories, Mayo Clinic
Classification: Benign. Last evaluated: 2018-03-21. Review status: criteria provided, single submitter. Criteria: ACMG Guidelines, 2015. Collection method: clinical testing. Allele origin: germline. Observed: 334 variant alleles.

Laboratory for Molecular Medicine, Mass General Brigham Personalized Medicine
Classification: Benign. Last evaluated: 2016-03-28. Review status: criteria provided, single submitter. Criteria: LMM Criteria. Collection method: clinical testing. Allele origin: germline.
Comment: Variant identified in a genome or exome case(s) and assessed due to predicted null impact of the variant or pathogenic assertions in the literature or databases. Disclaimer: This variant has not undergone full assessment. The following are preliminary notes: Frequency

Breakthrough Genomics
Classification: Benign. Review status: criteria provided, single submitter. Criteria: ACMG Guidelines, 2015. Collection method: not provided. Allele origin: germline. Inheritance: Autosomal recessive inheritance. Affected: yes.

GeneDx
Classification: Benign. Last evaluated: 2015-10-20. Review status: flagged submission. Criteria: GeneDx Variant Classification (06012015). Collection method: clinical testing. Allele origin: germline. Affected: yes. Not counted in ClinVar's aggregate classification.
Comment: This variant is considered likely benign or benign based on one or more of the following criteria: it is a conservative change, it occurs at a poorly conserved position in the protein, it is predicted to be benign by multiple in silico algorithms, and/or has population frequency not consistent with disease.
ClinVar note: Reason: This record appears to be redundant with a more recent record from the same submitter.
ClinVar note: Notes: SCV000516235 appears to be redundant with SCV002056115.

NM_007074.4(CORO1A):c.336A>G (p.Pro112=)

Genes: BOLA2 (bolA family member 2; minus strand), CORO1A (coronin 1A; plus strand). Cytogenetic location: 16p11.2.
Variant type: single nucleotide variant.
Coding change: c.336A>G on transcript NM_007074.4 (MANE Select); coding-DNA position 336, A replaced by G.
Protein change: p.Pro112=; no amino-acid change (proline 112 retained).
Molecular consequence: synonymous variant.
Genome position (GRCh38, 1-based): chr16:30,186,830, A>G. VCF-style: chr16-30186830-A-G. GRCh37 (hg19) VCF-style: chr16-30198151-A-G.
Other names: p.Pro112=; c.336A>G, p.Pro112= (NM_001193333.3).
Identifiers: ClinVar variation 379386 (VCV000379386.22), dbSNP rs1132812, ClinGen allele CA8003099.